The following is an entry in ClinVar:

NM_001123385.2(BCOR):c.4711del (p.His1571fs)

Gene: BCOR (BCL6 corepressor; minus strand). Cytogenetic location: Xp11.4.
Variant type: Deletion.
Coding change: c.4711del on transcript NM_001123385.2 (MANE Select); coding-DNA position 4711, one base deleted (C; older notation c.4711delC).
Protein change: p.His1571fs; shifts the reading frame from histidine 1571.
Molecular consequence: frameshift variant.
Genome position (GRCh38, 1-based): chrX:40,055,398, G deleted on the plus strand (C on the coding strand, the reverse complement: BCOR is on the minus strand); the first of 3 consecutive G bases (chrX:40,055,398-40,055,400); deleting any one gives the same sequence. VCF-style (leftmost placement, unchanged base first): chrX-40055397-TG-T. GRCh37 (hg19) VCF-style: chrX-39914650-TG-T.
Other names: c.4607delC, p.His1537Thrfs (NM_001123383.2); c.4555del, p.His1519fs (NM_001123384.2); c.4609del, p.His1537fs (NM_017745.6); short protein forms H1519fs, H1537fs, H1571fs.
Identifiers: ClinVar variation 954715 (VCV000954715.7), dbSNP rs1934541230, ClinGen allele CA1139667469.

ClinVar aggregate classification (germline): Pathogenic (1 of 4 stars; one submission).

Conditions:
Oculofaciocardiodental syndrome (MCOPS2). Identifiers: Orphanet 2712, MedGen C1846265, MONDO:0010261, OMIM 300166.

Submission:

Labcorp Genetics (formerly Invitae), Labcorp
Classification: Pathogenic for Oculofaciocardiodental syndrome. Last evaluated: 2019-09-24. Review status: criteria provided, single submitter. Criteria: Invitae Variant Classification Sherloc (09022015). Collection method: clinical testing. Allele origin: germline.
Comment: This sequence change creates a premature translational stop signal (p.His1537Thrfs*9) in the BCOR gene. It is expected to result in an absent or disrupted protein product. This variant is not present in population databases (ExAC no frequency). This variant has not been reported in the literature in individuals with BCOR-related conditions. Loss-of-function variants in BCOR are known to be pathogenic (PMID: 15004558, 19367324). For these reasons, this variant has been classified as Pathogenic.

Literature cited by the submitters: PubMed 15004558; PubMed 19367324.